The following is an entry in ClinVar:

NC_000006.12:g.99598936A>C

Gene: PRDM13 (PR/SET domain 13; plus strand). Cytogenetic location: 6q16.2.
Variant type: single nucleotide variant.
Genome position: GRCh38 VCF-style: chr6-99598936-A-C. GRCh37 (hg19) VCF-style: chr6-100046812-A-C.
Identifiers: ClinVar variation 3060623 (VCV003060623.3), dbSNP rs183937442, ClinGen allele CA143967342.

ClinVar aggregate classification (germline): Likely benign. Review status: criteria provided, single submitter (1 of 4 stars). 2 submissions from 2 submitters: Likely benign (1). 1 of the submissions does not count toward it. Last evaluated 2024-07-04.

Conditions:
PRDM13-related disorder. Also called: PRDM13-related condition.

Allele frequency attached by ClinVar (database versions not stated): gnomAD 0.00201; 1000 Genomes Project 0.00240; 1000 Genomes Project 30x 0.00250.

Submissions (2):

Blueprint Genetics
Classification: Likely benign. Last evaluated: 2024-07-04. Review status: criteria provided, single submitter. Criteria: ACMG Guidelines, 2015. Collection method: clinical testing. Allele origin: germline.

PreventionGenetics, part of Exact Sciences
Classification: Likely benign for PRDM13-related condition. Last evaluated: 2023-01-31. Review status: no assertion criteria provided. Collection method: clinical testing. Allele origin: germline. Not counted in ClinVar's aggregate classification.
Comment: This variant is classified as likely benign based on ACMG/AMP sequence variant interpretation guidelines (Richards et al. 2015 PMID: 25741868, with internal and published modifications).